The following is an entry in ClinVar:

ClinVar aggregate classification (germline): Uncertain significance. Review status: criteria provided, multiple submitters, no conflicts (2 of 4 stars). 2 submissions from 2 submitters: Uncertain significance (2). Last evaluated 2025-02-27.

Allele frequency attached by ClinVar (database versions not stated): ExAC 0.00002; TOPMed 0.00002; gnomAD 0.00003.
gnomAD v4.1: 63 of 1,613,700 alleles (0.0039%); highest among the groups gnomAD compares: Non-Finnish European, 0.0048%; no homozygotes.

Submissions (2):

Labcorp Genetics (formerly Invitae), Labcorp
Classification: Uncertain significance. Last evaluated: 2025-02-27. Review status: criteria provided, single submitter. Criteria: Invitae Variant Classification Sherloc (09022015). Collection method: clinical testing. Allele origin: germline.
Comment: This sequence change replaces glutamine, which is neutral and polar, with lysine, which is basic and polar, at codon 148 of the FCHO1 protein (p.Gln148Lys). This variant is present in population databases (rs747932265, gnomAD 0.002%). This variant has not been reported in the literature in individuals affected with FCHO1-related conditions. ClinVar contains an entry for this variant (Variation ID: 2296173). An algorithm developed to predict the effect of missense changes on protein structure and function (PolyPhen-2) suggests that this variant is likely to be tolerated. In summary, the available evidence is currently insufficient to determine the role of this variant in disease. Therefore, it has been classified as a Variant of Uncertain Significance.

Ambry Genetics
Classification: Uncertain significance. Last evaluated: 2022-06-24. Review status: criteria provided, single submitter. Criteria: Ambry Variant Classification Scheme 2023. Collection method: clinical testing. Allele origin: germline.

NM_015122.3(FCHO1):c.442C>A (p.Gln148Lys)

Gene: FCHO1 (FCH and mu domain containing endocytic adaptor 1; plus strand). Cytogenetic location: 19p13.11.
Variant type: single nucleotide variant.
Coding change: c.442C>A on transcript NM_015122.3 (MANE Select); coding-DNA position 442, C replaced by A.
Protein change: p.Gln148Lys; replaces glutamine 148 with lysine.
Molecular consequence: missense variant. On other transcripts: non-coding transcript variant (36).
Genome position (GRCh38, 1-based): chr19:17,770,530, C>A. VCF-style: chr19-17770530-C-A. GRCh37 (hg19) VCF-style: chr19-17881339-C-A.
Other names: c.442C>A, p.Gln148Lys (NM_001161357.2, NM_001161358.2, NM_001384370.1 and 26 more transcripts); c.292C>A, p.Gln98Lys (NM_001161359.2, NM_001384384.1, NM_001384385.1 and 3 more transcripts); c.403C>A, p.Gln135Lys (NM_001384388.1, NM_001384389.1, NM_001384405.1); c.367C>A, p.Gln123Lys (NM_001384390.1); short protein forms Q123K, Q148K, Q98K, Q135K.
Identifiers: ClinVar variation 2296173 (VCV002296173.3), dbSNP rs747932265, ClinGen allele CA9300090.